The following is an entry in ClinVar:

ClinVar aggregate classification (germline): Benign/Likely benign. Review status: criteria provided, multiple submitters, no conflicts (2 of 4 stars). 8 submissions from 8 submitters: Benign (3); Likely benign (5). Last evaluated 2026-09-01.

Conditions:
Ehlers-Danlos syndrome (EDS). Identifiers: Orphanet 98249, MedGen C0013720, MONDO:0020066.
Cardiovascular phenotype. Identifiers: MedGen CN230736.

Allele frequency attached by ClinVar (database versions not stated): gnomAD exomes 0.00101 and 0.00180; ExAC 0.00187; gnomAD 0.00429 and 0.00455; ESP Exome Variant Server 0.00447; TOPMed 0.00469; 1000 Genomes Project 0.00519; 1000 Genomes Project 30x 0.00547.
gnomAD v4.1: 2,200 of 1,612,838 alleles (0.14%); highest among the groups gnomAD compares: African/African-American, 1.1%; 10 homozygotes.

Submissions (8):

CeGaT Center for Human Genetics Tuebingen
Classification: Likely benign. Last evaluated: 2026-09-01. Review status: criteria provided, single submitter. Criteria: CeGaT Center For Human Genetics Tuebingen Variant Classification Criteria Version 2. Collection method: clinical testing. Allele origin: germline. Affected: yes. Observed: 6 variant alleles.
Comment: TNXB: BP4, BS1

Women's Health and Genetics/Laboratory Corporation of America, LabCorp
Classification: Likely benign. Last evaluated: 2026-03-30. Review status: criteria provided, single submitter. Criteria: LabCorp Variant Classification Summary - May 2015. Collection method: clinical testing. Allele origin: germline.

Labcorp Genetics (formerly Invitae), Labcorp
Classification: Benign. Last evaluated: 2026-02-04. Review status: criteria provided, single submitter. Criteria: Invitae Variant Classification Sherloc (09022015). Collection method: clinical testing. Allele origin: germline.

Blueprint Genetics
Classification: Likely benign. Last evaluated: 2024-11-25. Review status: criteria provided, single submitter. Criteria: ACMG Guidelines, 2015. Collection method: clinical testing. Allele origin: germline.

Mayo Clinic Laboratories, Mayo Clinic
Classification: Benign. Last evaluated: 2024-08-14. Review status: criteria provided, single submitter. Criteria: ACMG Guidelines, 2015. Collection method: clinical testing. Allele origin: germline. Observed: 8 variant alleles.
Comment: BS1, BS2, BP4

Genome Diagnostics Laboratory, The Hospital for Sick Children
Classification: Likely benign for Ehlers-Danlos syndrome. Last evaluated: 2022-07-04. Review status: criteria provided, single submitter. Criteria: ACMG Guidelines, 2015. Collection method: clinical testing. Allele origin: germline.

Ambry Genetics
Classification: Likely benign for Cardiovascular phenotype. Last evaluated: 2021-07-07. Review status: criteria provided, single submitter. Criteria: Ambry Variant Classification Scheme 2023. Collection method: clinical testing. Allele origin: germline.

GeneDx
Classification: Benign. Last evaluated: 2020-09-23. Review status: criteria provided, single submitter. Criteria: GeneDx Variant Classification Process June 2021. Collection method: clinical testing. Allele origin: germline. Affected: yes.

NM_001365276.2(TNXB):c.5746A>G (p.Thr1916Ala)

Gene: TNXB (tenascin XB; minus strand). Cytogenetic location: 6p21.33.
Variant type: single nucleotide variant.
Coding change: c.5746A>G on transcript NM_001365276.2 (MANE Select); coding-DNA position 5746, A replaced by G.
Protein change: p.Thr1916Ala; replaces threonine 1916 with alanine.
Molecular consequence: missense variant.
Genome position (GRCh38, 1-based): chr6:32,068,978, T>C on the plus strand (A>G on the coding strand, the complement: TNXB is on the minus strand). VCF-style: chr6-32068978-T-C. GRCh37 (hg19) VCF-style: chr6-32036755-T-C.
Other names: p.Thr1916Ala; c.5746A>G, p.Thr1916Ala (NM_019105.8); short protein forms T1916A.
Identifiers: ClinVar variation 1179279 (VCV001179279.42), dbSNP rs17207916, ClinGen allele CA3734615.